The following is an entry in ClinVar:

ClinVar aggregate classification (germline): Uncertain significance (1 of 4 stars; one submission).

Conditions:
Joubert syndrome. Also called: CEREBELLOPARENCHYMAL DISORDER IV; JOUBERT-BOLTSHAUSER SYNDROME; Familial aplasia of the vermis. Identifiers: Orphanet 475, MedGen C5979921, MONDO:0018772.
Meckel-Gruber syndrome. Also called: DYSENCEPHALIA SPLANCHNOCYSTICA; GRUBER SYNDROME; Dysencephalia splachnocystica. Identifiers: Orphanet 564, MedGen C0265215, MONDO:0018921.
Nephronophthisis. Also called: Juvenile Nephronophthisis. Identifiers: Orphanet 655, MedGen C0687120, MONDO:0019005, HP:0000090.

gnomAD v4.1: 2 of 1,513,658 alleles (0.00013%); highest among the groups gnomAD compares: Non-Finnish European, 0.00009%; no homozygotes.

Submission:

Labcorp Genetics (formerly Invitae), Labcorp
Classification: Uncertain significance for Joubert syndrome; Meckel-Gruber syndrome; Nephronophthisis. Last evaluated: 2022-06-08. Review status: criteria provided, single submitter. Criteria: Invitae Variant Classification Sherloc (09022015). Collection method: clinical testing. Allele origin: germline.
Comment: This sequence change replaces threonine, which is neutral and polar, with serine, which is neutral and polar, at codon 574 of the CEP290 protein (p.Thr574Ser). This variant is not present in population databases (gnomAD no frequency). This variant has not been reported in the literature in individuals affected with CEP290-related conditions. Algorithms developed to predict the effect of missense changes on protein structure and function output the following: SIFT: "Tolerated"; PolyPhen-2: "Benign"; Align-GVGD: "Class C0". The serine amino acid residue is found in multiple mammalian species, which suggests that this missense change does not adversely affect protein function. In summary, the available evidence is currently insufficient to determine the role of this variant in disease. Therefore, it has been classified as a Variant of Uncertain Significance.

NM_025114.4(CEP290):c.1721C>G (p.Thr574Ser)

Gene: CEP290 (centrosomal protein 290; minus strand). Cytogenetic location: 12q21.32.
Variant type: single nucleotide variant.
Coding change: c.1721C>G on transcript NM_025114.4 (MANE Select); coding-DNA position 1721, C replaced by G.
Protein change: p.Thr574Ser; replaces threonine 574 with serine.
Molecular consequence: missense variant.
Genome position (GRCh38, 1-based): chr12:88,117,136, G>C on the plus strand (C>G on the coding strand, the complement: CEP290 is on the minus strand). VCF-style: chr12-88117136-G-C. GRCh37 (hg19) VCF-style: chr12-88510913-G-C.
Other names: short protein forms T574S.
Identifiers: ClinVar variation 1933610 (VCV001933610.2), dbSNP rs1187828326, ClinGen allele CA385978416.